The following is an entry in ClinVar:

ClinVar aggregate classification (germline): Likely benign (1 of 4 stars; one submission).

Conditions:
SEMA3F-related disorder. Also called: SEMA3F-related condition.

Submission:

PreventionGenetics, part of Exact Sciences
Classification: Likely benign for SEMA3F-related condition. Last evaluated: 2025-01-06. Review status: criteria provided, single submitter. Criteria: ACMG Guidelines, 2015. Collection method: clinical testing. Allele origin: germline.
Comment: This variant is classified as likely benign based on ACMG/AMP sequence variant interpretation guidelines (Richards et al. 2015 PMID: 25741868, with internal and published modifications).

NM_004186.5(SEMA3F):c.783T>G (p.Ala261=)

Gene: SEMA3F (semaphorin 3F; plus strand). Cytogenetic location: 3p21.31.
Variant type: single nucleotide variant.
Coding change: c.783T>G on transcript NM_004186.5 (MANE Select); coding-DNA position 783, T replaced by G.
Protein change: p.Ala261=; no amino-acid change (alanine 261 retained).
Molecular consequence: synonymous variant.
Genome position (GRCh38, 1-based): chr3:50,182,663, T>G. VCF-style: chr3-50182663-T-G. GRCh37 (hg19) VCF-style: chr3-50220096-T-G.
Other names: c.486T>G, p.Ala162= (NM_001318798.2); c.690T>G, p.Ala230= (NM_001318800.2).
Identifiers: ClinVar variation 4988509 (VCV004988509.1).